The following is an entry in ClinVar:

ClinVar aggregate classification (germline): Uncertain significance. Review status: criteria provided, multiple submitters, no conflicts (2 of 4 stars). 2 submissions from 2 submitters: Uncertain significance (2). Last evaluated 2024-11-26.

Submissions (2):

Labcorp Genetics (formerly Invitae), Labcorp
Classification: Uncertain significance. Last evaluated: 2024-11-26. Review status: criteria provided, single submitter. Criteria: Invitae Variant Classification Sherloc (09022015). Collection method: clinical testing. Allele origin: germline.
Comment: This sequence change creates a premature translational stop signal (p.Asn970Lysfs*4) in the KANK1 gene. It is expected to result in an absent or disrupted protein product. However, the current clinical and genetic evidence is not sufficient to establish whether loss-of-function variants in KANK1 cause disease. This variant is present in population databases (rs759782885, gnomAD 0.006%). This variant has not been reported in the literature in individuals affected with KANK1-related conditions. In summary, the available evidence is currently insufficient to determine the role of this variant in disease. Therefore, it has been classified as a Variant of Uncertain Significance.

Blueprint Genetics
Classification: Uncertain significance. Last evaluated: 2024-01-24. Review status: criteria provided, single submitter. Criteria: ACMG Guidelines, 2015. Collection method: clinical testing. Allele origin: germline.

NM_015158.5(KANK1):c.2910_2913del (p.Asn970fs)

Gene: KANK1 (KN motif and ankyrin repeat domains 1; plus strand). Cytogenetic location: 9p24.3.
Variant type: Deletion.
Coding change: c.2910_2913del on transcript NM_015158.5 (MANE Select); coding-DNA positions 2910 to 2913, 4 bases deleted (TGAA; older notation c.2910_2913delTGAA).
Protein change: p.Asn970fs; shifts the reading frame from asparagine 970.
Molecular consequence: frameshift variant. On other transcripts: non-coding transcript variant (1).
Genome position (GRCh38, 1-based): chr9:731,171-731,174, TGAA deleted; deleting any 4 consecutive bases within chr9:731,169-731,174 gives the same sequence; the c. name uses the placement nearest the transcript's 3' end. VCF-style (leftmost placement, unchanged base first): chr9-731168-CAATG-C. GRCh37 (hg19) VCF-style: chr9-731168-CAATG-C.
Other names: c.2910_2913del, p.Asn970fs (NM_001256876.3, NM_001256877.3, NM_001354331.2 and 1 more transcripts); c.2856_2859del, p.Asn952fs (NM_001354332.2); c.2436_2439del, p.Asn812fs (NM_001354333.2, NM_001354335.2, NM_001354337.2 and 5 more transcripts); c.2382_2385del, p.Asn794fs (NM_001354336.2, NM_001354338.2, NM_001354340.2 and 1 more transcripts); short protein forms N794fs, N812fs, N952fs, N970fs.
Identifiers: ClinVar variation 3609943 (VCV003609943.3).